The following is an entry in ClinVar:

ClinVar aggregate classification (germline): Likely benign (1 of 4 stars; one submission).

gnomAD v4.1: 1,509 of 1,610,158 alleles (0.094%); highest among the groups gnomAD compares: Admixed American, 0.032%; 26 homozygotes.

Submission:

CeGaT Center for Human Genetics Tuebingen
Classification: Likely benign. Last evaluated: 2026-04-01. Review status: criteria provided, single submitter. Criteria: CeGaT Center For Human Genetics Tuebingen Variant Classification Criteria Version 2. Collection method: clinical testing. Allele origin: germline. Affected: yes. Observed: 1 variant allele.
Comment: ANO1: BP4, BP7

NM_018043.7(ANO1):c.984C>T (p.Ile328=)

Gene: ANO1 (anoctamin 1; plus strand). Cytogenetic location: 11q13.3.
Variant type: single nucleotide variant.
Coding change: c.984C>T on transcript NM_018043.7 (MANE Select); coding-DNA position 984, C replaced by T.
Protein change: p.Ile328=; no amino-acid change (isoleucine 328 retained).
Molecular consequence: synonymous variant. On other transcripts: non-coding transcript variant (1).
Genome position (GRCh38, 1-based): chr11:70,126,082, C>T. VCF-style: chr11-70126082-C-T. GRCh37 (hg19) VCF-style: chr11-69972188-C-T.
Other names: c.1173C>T, p.Ile391= (NM_001378092.1); c.984C>T, p.Ile328= (NM_001378093.1, NM_001378094.2, NM_001378096.2); c.1050C>T, p.Ile350= (NM_001378095.2); c.885C>T, p.Ile295= (NM_001378097.2).
Identifiers: ClinVar variation 4872598 (VCV004872598.2).